The following is an entry in ClinVar:

ClinVar aggregate classification (germline): Uncertain significance (1 of 4 stars; one submission).

Submission:

Labcorp Genetics (formerly Invitae), Labcorp
Classification: Uncertain significance. Last evaluated: 2024-02-24. Review status: criteria provided, single submitter. Criteria: Invitae Variant Classification Sherloc (09022015). Collection method: clinical testing. Allele origin: germline.
Comment: This sequence change replaces alanine, which is neutral and non-polar, with aspartic acid, which is acidic and polar, at codon 390 of the GATA5 protein (p.Ala390Asp). This variant is not present in population databases (gnomAD no frequency). This variant has not been reported in the literature in individuals affected with GATA5-related conditions. An algorithm developed to predict the effect of missense changes on protein structure and function (PolyPhen-2) suggests that this variant is likely to be disruptive. In summary, the available evidence is currently insufficient to determine the role of this variant in disease. Therefore, it has been classified as a Variant of Uncertain Significance.

NM_080473.5(GATA5):c.1169C>A (p.Ala390Asp)

Gene: GATA5 (GATA binding protein 5; minus strand). Cytogenetic location: 20q13.33.
Variant type: single nucleotide variant.
Coding change: c.1169C>A on transcript NM_080473.5 (MANE Select); coding-DNA position 1169, C replaced by A.
Protein change: p.Ala390Asp; replaces alanine 390 with aspartic acid.
Molecular consequence: missense variant.
Genome position (GRCh38, 1-based): chr20:62,464,861, G>T on the plus strand (C>A on the coding strand, the complement: GATA5 is on the minus strand). VCF-style: chr20-62464861-G-T. GRCh37 (hg19) VCF-style: chr20-61039917-G-T.
Other names: short protein forms A390D.
Identifiers: ClinVar variation 3643063 (VCV003643063.2).